The following is an entry in ClinVar:

ClinVar aggregate classification (germline): Likely benign (0 of 4 stars; one submission).

Conditions:
PLXNA3-related disorder. Also called: PLXNA3-related condition.

Allele frequency attached by ClinVar (database versions not stated): ExAC 0.00007.
gnomAD v4.1: 151 of 1,211,155 alleles (0.012%); highest among the groups gnomAD compares: Admixed American, 0.022%; no homozygotes.

Submission:

PreventionGenetics, part of Exact Sciences
Classification: Likely benign for PLXNA3-related condition. Last evaluated: 2022-10-05. Review status: no assertion criteria provided. Collection method: clinical testing. Allele origin: germline.
Comment: This variant is classified as likely benign based on ACMG/AMP sequence variant interpretation guidelines (Richards et al. 2015 PMID: 25741868, with internal and published modifications).

NM_017514.5(PLXNA3):c.858C>T (p.Gly286=)

Gene: PLXNA3 (plexin A3; plus strand). Cytogenetic location: Xq28.
Variant type: single nucleotide variant.
Coding change: c.858C>T on transcript NM_017514.5 (MANE Select); coding-DNA position 858, C replaced by T.
Protein change: p.Gly286=; no amino-acid change (glycine 286 retained).
Molecular consequence: synonymous variant.
Genome position (GRCh38, 1-based): chrX:154,461,362, C>T. VCF-style: chrX-154461362-C-T. GRCh37 (hg19) VCF-style: chrX-153689702-C-T.
Identifiers: ClinVar variation 3047373 (VCV003047373.2), dbSNP rs782513809, ClinGen allele CA10563836.